The following is an entry in ClinVar:

NM_000179.3(MSH6):c.3557-2A>C

Gene: MSH6 (mutS homolog 6; plus strand). Cytogenetic location: 2p16.3.
Variant type: single nucleotide variant.
Coding change: c.3557-2A>C on transcript NM_000179.3 (MANE Select); the canonical splice acceptor site of the intron before coding-DNA position 3557, A replaced by C.
Molecular consequence: splice acceptor variant.
Genome position (GRCh38, 1-based): chr2:47,805,616, A>C. VCF-style: chr2-47805616-A-C. GRCh37 (hg19) VCF-style: chr2-48032755-A-C.
Other names: c.3557-2A>C (NM_001406809.1, NM_001406796.1, NM_001406808.1 and 1 more transcripts); c.2651-2A>C (NM_001406811.1, NM_001406814.1, NM_001281493.2 and 6 more transcripts); c.3260-2A>C (NM_001406805.1, NM_001406797.1, NM_001406801.1 and 10 more transcripts); c.3653-2A>C (NM_001406795.1, NM_001406802.1); c.3563-2A>C (NM_001406813.1); c.3032-2A>C (NM_001406807.1, NM_001406799.1, NM_001406806.1); c.3383-2A>C (NM_001406798.1); c.2693-2A>C (NM_001406803.1); and 7 more.
Identifiers: ClinVar variation 1732638 (VCV001732638.2), dbSNP rs1558390582, ClinGen allele CA346760394.

ClinVar aggregate classification (germline): Likely pathogenic (1 of 4 stars; one submission).

Conditions:
Hereditary cancer-predisposing syndrome. Also called: Neoplastic Syndromes, Hereditary; Tumor predisposition; Hereditary Cancer Syndrome; Hereditary neoplastic syndrome. Identifiers: Orphanet 140162, MedGen C0027672, MeSH D009386, MONDO:0015356.

Submission:

Ambry Genetics
Classification: Likely pathogenic for Hereditary cancer-predisposing syndrome. Last evaluated: 2022-10-21. Review status: criteria provided, single submitter. Criteria: Ambry Variant Classification Scheme 2023. Collection method: clinical testing. Allele origin: germline.
Comment: The c.3557-2A>C intronic variant results from an A to C substitution two nucleotides upstream from coding exon 7 in the MSH6 gene. Alterations that disrupt the canonical splice site are expected to result in aberrant splicing. In silico splice site analysis predicts that this alteration will weaken the native splice acceptor site and will result in the creation or strengthening of a novel splice acceptor site. The resulting transcript is predicted to be in-frame and is not expected to trigger nonsense-mediated mRNAdecay; however, direct evidence is unavailable. The exact functional effect of the altered amino acid sequence is unknown; however, the impacted region is critical for protein function (Ambry internal data). This variant is considered to be rare based on population cohorts in the Genome Aggregation Database (gnomAD). This nucleotide position is highly conserved in available vertebrate species. Based on the majority of available evidence to date, this variant is likely to be pathogenic.